The following is an entry in ClinVar:

ClinVar aggregate classification (germline): Pathogenic. Review status: reviewed by expert panel (3 of 4 stars). 4 submissions from 4 submitters: Pathogenic (1). 3 of the submissions do not count toward it. Last evaluated 2016-10-18.

Conditions:
Hereditary breast ovarian cancer syndrome. Also called: Hereditary breast and ovarian cancer syndrome (HBOC); Breast and ovarian cancer; Hereditary breast and ovarian cancer syndrome; Hereditary breast and ovarian cancer; BRCA1- and BRCA2-Associated Hereditary Breast and Ovarian Cancer; Hereditary breast and/or ovarian cancer syndrome. Identifiers: Orphanet 145, MedGen C0677776, MeSH D061325, MONDO:0003582. Disease mechanism: loss of function.
Breast-ovarian cancer, familial, susceptibility to, 1 (BROVCA1). Also called: BRCA1 Hereditary Breast and Ovarian Cancer; OVARIAN CANCER, SUSCEPTIBILITY TO. Identifiers: Orphanet 145, MedGen C2676676, MONDO:0011450, OMIM 604370. Disease mechanism: loss of function.
Hereditary cancer-predisposing syndrome. Also called: Hereditary Cancer Syndrome; Neoplastic Syndromes, Hereditary; Hereditary neoplastic syndrome; Tumor predisposition. Identifiers: Orphanet 140162, MedGen C0027672, MeSH D009386, MONDO:0015356.

Submissions (4):

Evidence-based Network for the Interpretation of Germline Mutant Alleles (ENIGMA)
Classification: Pathogenic for Breast-ovarian cancer, familial, susceptibility to, 1. Last evaluated: 2016-10-18. Review status: reviewed by expert panel. Criteria: ENIGMA BRCA1/2 Classification Criteria (2015). Collection method: curation. Allele origin: germline.
Comment: Variant allele predicted to encode a truncated non-functional protein.

Ambry Genetics
Classification: Likely pathogenic for Hereditary cancer-predisposing syndrome. Last evaluated: 2024-08-29. Review status: criteria provided, single submitter. Criteria: Ambry Variant Classification Scheme 2023. Collection method: clinical testing. Allele origin: germline. Not counted in ClinVar's aggregate classification.
Comment: The c.5503dupC variant, located in coding exon 22 of the BRCA1 gene, results from a duplication of C at nucleotide position 5503, causing a translational frameshift with a predicted alternate stop codon (p.R1835Pfs*45). This alteration occurs at the 3' terminus of theBRCA1 gene, is not expected to trigger nonsense-mediated mRNAdecay and results in the elongation of the protein by 15 amino acids. This frameshift impacts the last 1.6% of the native protein. However, frameshifts are typically deleterious in nature and the impacted region is critical for protein function (Ambry internal data). This variant is considered to be rare based on population cohorts in the Genome Aggregation Database (gnomAD). Based on the majority of available evidence to date, this variant is likely to be pathogenic.

Labcorp Genetics (formerly Invitae), Labcorp
Classification: Pathogenic for Hereditary breast ovarian cancer syndrome. Last evaluated: 2024-03-27. Review status: criteria provided, single submitter. Criteria: Invitae Variant Classification Sherloc (09022015). Collection method: clinical testing. Allele origin: germline. Not counted in ClinVar's aggregate classification.
Comment: This sequence change results in a frameshift in the BRCA1 gene (p.Arg1835Profs*45). While this is not anticipated to result in nonsense mediated decay, it is expected to disrupt the last 29 amino acid(s) of the BRCA1 protein and extend the protein by 15 additional amino acid residues. This variant is not present in population databases (gnomAD no frequency). This frameshift has been observed in individual(s) with a high risk of breast and/or ovarian cancer (PMID: 29446198). ClinVar contains an entry for this variant (Variation ID: 266558). This variant disrupts a region of the BRCA1 protein in which other variant(s) (p.Tyr1853*) have been determined to be pathogenic (PMID: 7894493, 10811118, 11739404, 12400015, 21922593; Invitae). This suggests that this is a clinically significant region of the protein, and that variants that disrupt it are likely to be disease-causing. For these reasons, this variant has been classified as Pathogenic.

Consortium of Investigators of Modifiers of BRCA1/2 (CIMBA), c/o University of Cambridge
Classification: Pathogenic for Breast-ovarian cancer, familial, susceptibility to, 1. Last evaluated: 2015-10-02. Review status: criteria provided, single submitter. Criteria: CIMBA Mutation Classification guidelines May 2016. Collection method: clinical testing. Allele origin: germline. Not counted in ClinVar's aggregate classification.

Literature cited by the submitters: PubMed 29446198 (cited by Ambry Genetics and Labcorp Genetics (formerly Invitae), Labcorp); PubMed 7894493 (cited by Labcorp Genetics (formerly Invitae), Labcorp); PubMed 10811118 (cited by Labcorp Genetics (formerly Invitae), Labcorp); PubMed 11739404 (cited by Labcorp Genetics (formerly Invitae), Labcorp); PubMed 12400015 (cited by Labcorp Genetics (formerly Invitae), Labcorp); PubMed 21922593 (cited by Labcorp Genetics (formerly Invitae), Labcorp).

NM_007294.4(BRCA1):c.5503dup (p.Arg1835fs)

Gene: BRCA1 (BRCA1 DNA repair associated; minus strand). Cytogenetic location: 17q21.31.
Variant type: Duplication.
Coding change: c.5503dup on transcript NM_007294.4 (MANE Select); coding-DNA position 5503, one base duplicated (C; older notation c.5503dupC).
Protein change: p.Arg1835fs; shifts the reading frame from arginine 1835.
Molecular consequence: frameshift variant. On other transcripts: 3 prime UTR variant (1), non-coding transcript variant (1).
Genome position (GRCh38, 1-based): chr17:43,045,767, G duplicated on the plus strand (C on the coding strand, the reverse complement: BRCA1 is on the minus strand); the first of 3 consecutive G bases (chr17:43,045,767-43,045,769); duplicating any one gives the same sequence. VCF-style (leftmost placement, unchanged base first): chr17-43045766-C-CG. GRCh37 (hg19) VCF-style: chr17-41197783-C-CG.
Other names: 5622_5623insC; c.5503dupC (NM_007294.3); c.5372dup, p.Arg1792Profs (NM_001407687.1, NM_001407688.1, NM_001407689.1 and 6 more transcripts); c.5369dup, p.Arg1791Profs (NM_001407690.1, NM_001407691.1); c.5360dup, p.Arg1788Profs (NM_001407692.1, NM_001407694.1, NM_001407695.1 and 11 more transcripts); c.5357dup, p.Arg1787Profs (NM_001407732.1, NM_001407733.1, NM_001407734.1 and 18 more transcripts); c.5354dup, p.Arg1786Profs (NM_001407838.1, NM_001407839.1, NM_001407841.1 and 12 more transcripts); c.*15dup (NM_001407854.1, NM_001407858.1, NM_001407859.1 and 13 more transcripts); and 79 more; short protein forms R1856fs, R1788fs, R1835fs, R731fs.
Identifiers: ClinVar variation 266558 (VCV000266558.17), dbSNP rs397509291, ClinGen allele CA10589589.
Genomic context (GRCh38, chr17:43,045,766, plus strand): 5'-ATCAGGTAGGTGTCCAGCTCCTGGCACTGGTAGAGTGCTACACTGTCCAACACCCACTCT[C>CG]GGGTCACCACAGGTGCCTCACACATCTGCCCAATTGCTGGAGACAGAGAACACAAGCAGA-3'